The following is an entry in ClinVar:

ClinVar aggregate classification (germline): Uncertain significance. Review status: criteria provided, multiple submitters, no conflicts (2 of 4 stars). 3 submissions from 3 submitters: Uncertain significance (3). Last evaluated 2025-08-26.

Conditions:
Hereditary spastic paraplegia 48. Also called: Spastic paraplegia 48; SPASTIC PARAPLEGIA 48, AUTOSOMAL RECESSIVE. Identifiers: Orphanet 306511, MedGen C3150901, MONDO:0013342, OMIM 613647.

Allele frequency attached by ClinVar (database versions not stated): gnomAD 0.00010 and 0.00011; TOPMed 0.00013.
gnomAD v4.1: 96 of 1,608,776 alleles (0.006%); highest among the groups gnomAD compares: East Asian, 0.049%; no homozygotes.

Submissions (3):

Labcorp Genetics (formerly Invitae), Labcorp
Classification: Uncertain significance for Hereditary spastic paraplegia 48. Last evaluated: 2025-08-26. Review status: criteria provided, single submitter. Criteria: Invitae Variant Classification Sherloc (09022015). Collection method: clinical testing. Allele origin: germline.
Comment: This sequence change replaces arginine, which is basic and polar, with tryptophan, which is neutral and slightly polar, at codon 796 of the AP5Z1 protein (p.Arg796Trp). This variant is present in population databases (rs764310871, gnomAD 0.09%). This missense change has been observed in individual(s) with hereditary spastic paraplegia (PMID: 32655478). ClinVar contains an entry for this variant (Variation ID: 909963). Invitae Evidence Modeling of protein sequence and biophysical properties (such as structural, functional, and spatial information, amino acid conservation, physicochemical variation, residue mobility, and thermodynamic stability) has been performed for this missense variant. However, the output from this modeling did not meet the statistical confidence thresholds required to predict the impact of this variant on AP5Z1 protein function. In summary, the available evidence is currently insufficient to determine the role of this variant in disease. Therefore, it has been classified as a Variant of Uncertain Significance.

Women's Health and Genetics/Laboratory Corporation of America, LabCorp
Classification: Uncertain significance. Last evaluated: 2024-11-29. Review status: criteria provided, single submitter. Criteria: LabCorp Variant Classification Summary - May 2015. Collection method: clinical testing. Allele origin: germline.
Comment: Variant summary: AP5Z1 c.2386C>T (p.Arg796Trp) results in a non-conservative amino acid change in the encoded protein sequence. Four of five in-silico tools predict a damaging effect of the variant on protein function. The variant allele was found at a frequency of 0.0001 in 235890 control chromosomes (gnomAD). c.2386C>T has been reported in the literature in at least an individual affected with hereditary spastic paraplegia (example: Ma_2020). This report however not provide unequivocal conclusions about association of the variant with Hereditary Spastic Paraplegia 48. To our knowledge, no experimental evidence demonstrating an impact on protein function has been reported. The following publication has been ascertained in the context of this evaluation (PMID: 32655478). ClinVar contains an entry for this variant (Variation ID: 909963). Based on the evidence outlined above, the variant was classified as uncertain significance.

Illumina Laboratory Services, Illumina
Classification: Uncertain significance for Hereditary spastic paraplegia 48. Last evaluated: 2018-01-13. Review status: criteria provided, single submitter. Criteria: ICSL Variant Classification Criteria 13 December 2019. Collection method: clinical testing. Allele origin: germline.

Literature cited by the submitters: PubMed 32655478 (cited by Labcorp Genetics (formerly Invitae), Labcorp and Women's Health and Genetics/Laboratory Corporation of America, LabCorp).

NM_014855.3(AP5Z1):c.2386C>T (p.Arg796Trp)

Gene: AP5Z1 (adaptor related protein complex 5 subunit zeta 1; plus strand). Cytogenetic location: 7p22.1.
Variant type: single nucleotide variant.
Coding change: c.2386C>T on transcript NM_014855.3 (MANE Select); coding-DNA position 2386, C replaced by T.
Protein change: p.Arg796Trp; replaces arginine 796 with tryptophan.
Molecular consequence: missense variant. On other transcripts: non-coding transcript variant (1).
Genome position (GRCh38, 1-based): chr7:4,791,347, C>T. VCF-style: chr7-4791347-C-T. GRCh37 (hg19) VCF-style: chr7-4830978-C-T.
Other names: c.1918C>T, p.Arg640Trp (NM_001364858.1); short protein forms R640W, R796W.
Identifiers: ClinVar variation 909963 (VCV000909963.11), dbSNP rs764310871, ClinGen allele CA4138459.